The following is an entry in ClinVar:

NM_022455.5(NSD1):c.3581A>T (p.Asp1194Val)

Gene: NSD1 (nuclear receptor binding SET domain protein 1; plus strand). Cytogenetic location: 5q35.3.
Variant type: single nucleotide variant.
Coding change: c.3581A>T on transcript NM_022455.5 (MANE Select); coding-DNA position 3581, A replaced by T.
Protein change: p.Asp1194Val; replaces aspartic acid 1194 with valine.
Molecular consequence: missense variant.
Genome position (GRCh38, 1-based): chr5:177,211,980, A>T. VCF-style: chr5-177211980-A-T. GRCh37 (hg19) VCF-style: chr5-176638981-A-T.
Other names: c.2708A>T, p.Asp903Val (NM_001409307.1, NM_001409308.1, NM_001409309.1 and 3 more transcripts); c.3581A>T, p.Asp1194Val (NM_001409301.1, NM_001409302.1, NM_001409303.1); c.3161A>T, p.Asp1054Val (NM_001409304.1); c.2828A>T, p.Asp943Val (NM_001409305.1); short protein forms D1054V, D1194V, D903V, D943V.
Identifiers: ClinVar variation 3686916 (VCV003686916.2).

ClinVar aggregate classification (germline): Uncertain significance (1 of 4 stars; one submission).

Submission:

Labcorp Genetics (formerly Invitae), Labcorp
Classification: Uncertain significance. Last evaluated: 2022-12-14. Review status: criteria provided, single submitter. Criteria: Invitae Variant Classification Sherloc (09022015). Collection method: clinical testing. Allele origin: germline.
Comment: Advanced modeling of protein sequence and biophysical properties (such as structural, functional, and spatial information, amino acid conservation, physicochemical variation, residue mobility, and thermodynamic stability) performed at Invitae indicates that this missense variant is not expected to disrupt NSD1 protein function. In summary, the available evidence is currently insufficient to determine the role of this variant in disease. Therefore, it has been classified as a Variant of Uncertain Significance. This variant has not been reported in the literature in individuals affected with NSD1-related conditions. This variant is not present in population databases (gnomAD no frequency). This sequence change replaces aspartic acid, which is acidic and polar, with valine, which is neutral and non-polar, at codon 1194 of the NSD1 protein (p.Asp1194Val).